The following is an entry in ClinVar:

NM_001374828.1(ARID1B):c.5198C>T (p.Pro1733Leu)

Gene: ARID1B (AT-rich interaction domain 1B; plus strand). Cytogenetic location: 6q25.3.
Variant type: single nucleotide variant.
Coding change: c.5198C>T on transcript NM_001374828.1 (MANE Select); coding-DNA position 5198, C replaced by T.
Protein change: p.Pro1733Leu; replaces proline 1733 with leucine.
Molecular consequence: missense variant.
Genome position (GRCh38, 1-based): chr6:157,201,423, C>T. VCF-style: chr6-157201423-C-T. GRCh37 (hg19) VCF-style: chr6-157522557-C-T.
Other names: c.2699C>T, p.Pro900Leu (NM_001363725.2); c.5078C>T, p.Pro1693Leu (NM_001371656.1, NM_001374820.1); c.5327C>T, p.Pro1776Leu (NM_001438482.1); c.5240C>T, p.Pro1747Leu (NM_001438483.1); c.5108C>T, p.Pro1703Leu (NM_001438485.1); c.5081C>T, p.Pro1694Leu (NM_001438486.1); c.5018C>T, p.Pro1673Leu (NM_001438487.1); c.2540C>T, p.Pro847Leu (NM_001438488.1); and 1 more; short protein forms P1776L, P847L, P900L, P1680L, P1693L, P1703L, P1694L, P1733L.
Identifiers: ClinVar variation 5008695 (VCV005008695.1).

ClinVar aggregate classification (germline): Uncertain significance (1 of 4 stars; one submission).

Submission:

GeneDx
Classification: Uncertain significance. Last evaluated: 2026-03-05. Review status: criteria provided, single submitter. Criteria: GeneDx Variant Classification Process June 2021. Collection method: clinical testing. Allele origin: germline.
Comment: Not observed at significant frequency in large population cohorts (gnomAD); In silico analysis supports that this missense variant has a deleterious effect on protein structure/function; Has not been previously published as pathogenic or benign to our knowledge